The following is an entry in ClinVar:

ClinVar aggregate classification (germline): Pathogenic (1 of 4 stars; one submission).

Conditions:
Cardiac anomalies - developmental delay - facial dysmorphism syndrome (MRFACD). Also called: MED13L Syndrome; Impaired intellectual development and distinctive facial features with or without cardiac defects. Identifiers: Orphanet 369891, MedGen C5192431, MONDO:0014773, OMIM 616789.

Submission:

Baylor Genetics
Classification: Pathogenic for Cardiac anomalies - developmental delay - facial dysmorphism syndrome. Last evaluated: 2018-05-25. Review status: criteria provided, single submitter. Criteria: ACMG Guidelines, 2015. Collection method: clinical testing. Allele origin: unknown. Affected: yes.
Comment: This variant was determined to be pathogenic according to ACMG Guidelines, 2015 [PMID:25741868].

NM_015335.5(MED13L):c.4271_4276delinsTTCCC (p.Cys1424fs)

Gene: MED13L (mediator complex subunit 13L; minus strand). Cytogenetic location: 12q24.21.
Variant type: Indel.
Coding change: c.4271_4276delinsTTCCC on transcript NM_015335.5 (MANE Select); coding-DNA positions 4271 to 4276, GTCCAG replaced by TTCCC.
Protein change: p.Cys1424fs; shifts the reading frame from cysteine 1424.
Molecular consequence: frameshift variant.
Genome position (GRCh38, 1-based): chr12:115,986,328-115,986,333, CTGGAC replaced by GGGAA on the plus strand (GTCCAG replaced by TTCCC on the coding strand, the reverse complement: MED13L is on the minus strand). VCF-style: chr12-115986328-CTGGAC-GGGAA. GRCh37 (hg19) VCF-style: chr12-116424133-CTGGAC-GGGAA.
Other names: short protein forms C1424fs.
Identifiers: ClinVar variation 1033770 (VCV001033770.1), dbSNP rs1877686983, ClinGen allele CA2065378720.